The following is an entry in ClinVar:

ClinVar aggregate classification (germline): Uncertain significance. Review status: reviewed by expert panel (3 of 4 stars). 5 submissions from 5 submitters: Uncertain significance (1). 4 of the submissions do not count toward it. Last evaluated 2026-06-23.

Conditions:
Hereditary cancer-predisposing syndrome. Also called: Tumor predisposition; Hereditary neoplastic syndrome; Neoplastic Syndromes, Hereditary; Hereditary Cancer Syndrome. Identifiers: Orphanet 140162, MedGen C0027672, MeSH D009386, MONDO:0015356.
DICER1-related tumor predisposition. Also called: DICER1-related pleuropulmonary blastoma cancer predisposition syndrome; DICER1 syndrome. Identifiers: Orphanet 284343, MedGen C3839822, MONDO:0100216.

Allele frequency attached by ClinVar (database versions not stated): TOPMed below 0.00001.

Submissions (5):

ClinGen DICER1 and miRNA-Processing Gene Variant Curation Expert Panel, ClinGen
Classification: Uncertain significance for DICER1-related tumor predisposition. Last evaluated: 2026-06-23. Review status: reviewed by expert panel. Criteria: ClinGen DICER1 ACMG Specifications DICER1 V1.4.0. Collection method: curation. Allele origin: germline. Inheritance: Autosomal dominant inheritance.
Comment: The NM_177438.2:c.5077C>A variant in DICER1 is a missense variant predicted to replace histidine with asparagine at codon 1693 (p.His1693Asn). This variant is absent from gnomAD v4.1.1 (PM2_Supporting). Although this variant has been observed in individuals undergoing genetic sequencing, to our knowledge, this variant has not been reported in individuals with DICER1-related tumor predisposition (PS4 not met; PMIDs, ClinVar GTRs, Internal lab contributors). In silico tools predict no damaging impact of the variant on protein function (REVEL: 0.476; MaxEntScan and SpliceAI: no effect on splicing) (BP4). This variant resides within the RNase IIIb mutational hotspot domain with critical functionality as defined by the ClinGen DICER1 VCEP (PM1_Supporting; PMID: 31342592). Due to conflicting evidence, this variant is classified as Uncertain Significance for DICER1-related tumor predisposition based on the ACMG/AMP criteria applied, as specified by the ClinGen DICER1 VCEP: PM2_Supporting, BP4, PM1_Supporting. (Bayesian Points: 1; VCEP specifications version 1.4.0; 06/23/2026)

GeneDx
Classification: Uncertain significance. Last evaluated: 2022-09-15. Review status: criteria provided, single submitter. Criteria: GeneDx Variant Classification Process June 2021. Collection method: clinical testing. Allele origin: germline. Affected: yes. Not counted in ClinVar's aggregate classification.
Comment: Not observed at significant frequency in large population cohorts (gnomAD); In silico analysis supports that this missense variant has a deleterious effect on protein structure/function; Has not been previously published as pathogenic or benign to our knowledge

Labcorp Genetics (formerly Invitae), Labcorp
Classification: Uncertain significance for DICER1-related tumor predisposition. Last evaluated: 2022-08-22. Review status: criteria provided, single submitter. Criteria: Invitae Variant Classification Sherloc (09022015). Collection method: clinical testing. Allele origin: germline. Not counted in ClinVar's aggregate classification.
Comment: In summary, the available evidence is currently insufficient to determine the role of this variant in disease. Therefore, it has been classified as a Variant of Uncertain Significance. Algorithms developed to predict the effect of missense changes on protein structure and function are either unavailable or do not agree on the potential impact of this missense change (SIFT: "Tolerated"; PolyPhen-2: "Probably Damaging"; Align-GVGD: "Class C0"). ClinVar contains an entry for this variant (Variation ID: 479649). This variant has not been reported in the literature in individuals affected with DICER1-related conditions. This variant is not present in population databases (gnomAD no frequency). This sequence change replaces histidine, which is basic and polar, with asparagine, which is neutral and polar, at codon 1693 of the DICER1 protein (p.His1693Asn).

Foulkes Cancer Genetics LDI, Lady Davis Institute for Medical Research
Classification: Uncertain significance. Last evaluated: 2019-07-01. Review status: criteria provided, single submitter. Criteria: ACMG Guidelines, 2015. Collection method: curation. Allele origin: unknown. Affected: yes. Observed: 1 variant allele. Not counted in ClinVar's aggregate classification.
Comment: ACMG criteria met: PM1, PM2, BP1

Ambry Genetics
Classification: Uncertain significance for Hereditary cancer-predisposing syndrome. Last evaluated: 2017-06-05. Review status: criteria provided, single submitter. Criteria: Ambry Variant Classification Scheme 2023. Collection method: clinical testing. Allele origin: germline. Not counted in ClinVar's aggregate classification.
Comment: The p.H1693N variant (also known as c.5077C>A), located in coding exon 22 of the DICER1 gene, results from a C to A substitution at nucleotide position 5077. The histidine at codon 1693 is replaced by asparagine, an amino acid with similar properties. This amino acid position is highly conserved in available vertebrate species. In addition, the in silico prediction for this alteration is inconclusive. Since supporting evidence is limited at this time, the clinical significance of this alteration remains unclear.

Literature cited by the submitters: PubMed 28825729 (cited by Foulkes Cancer Genetics LDI, Lady Davis Institute for Medical Research).

NM_177438.3(DICER1):c.5077C>A (p.His1693Asn)

Gene: DICER1 (dicer 1, ribonuclease III; minus strand). Cytogenetic location: 14q32.13.
Variant type: single nucleotide variant.
Coding change: c.5077C>A on transcript NM_177438.3 (MANE Select); coding-DNA position 5077, C replaced by A.
Protein change: p.His1693Asn; replaces histidine 1693 with asparagine.
Molecular consequence: missense variant.
Genome position (GRCh38, 1-based): chr14:95,095,843, G>T on the plus strand (C>A on the coding strand, the complement: DICER1 is on the minus strand). VCF-style: chr14-95095843-G-T. GRCh37 (hg19) VCF-style: chr14-95562180-G-T.
Other names: NM_177438.3(DICER1):c.5077C>A; p.His1693Asn; c.5077C>A, p.His1693Asn (NM_001195573.1, NM_001271282.3, NM_001291628.2 and 1 more transcripts); short protein forms H1693N.
Identifiers: ClinVar variation 479649 (VCV000479649.19), dbSNP rs1555367487, ClinGen allele CA390865930.